The following is an entry in ClinVar:

ClinVar aggregate classification (germline): Uncertain significance. Review status: criteria provided, multiple submitters, no conflicts (2 of 4 stars). 2 submissions from 2 submitters: Uncertain significance (2). Last evaluated 2022-03-23.

Conditions:
Mitochondrial complex II deficiency, nuclear type 1. Also called: SUCCINATE CoQ REDUCTASE DEFICIENCY. Identifiers: Orphanet 3208, MedGen C5700310, MONDO:0100294, OMIM 252011.
Pheochromocytoma/paraganglioma syndrome 5. Also called: Paragangliomas 5; SDHA-Related Hereditary Paraganglioma-Pheochromocytoma Syndrome. Identifiers: Orphanet 29072, MedGen C3279992, MONDO:0013602, OMIM 614165.
Hereditary cancer-predisposing syndrome. Also called: Tumor predisposition; Hereditary neoplastic syndrome; Neoplastic Syndromes, Hereditary; Hereditary Cancer Syndrome. Identifiers: Orphanet 140162, MedGen C0027672, MeSH D009386, MONDO:0015356.

Allele frequency attached by ClinVar (database versions not stated): TOPMed below 0.00001.

Submissions (2):

Ambry Genetics
Classification: Uncertain significance for Hereditary cancer-predisposing syndrome. Last evaluated: 2022-03-23. Review status: criteria provided, single submitter. Criteria: Ambry Variant Classification Scheme 2023. Collection method: clinical testing. Allele origin: germline.
Comment: The p.I168V variant (also known as c.502A>G), located in coding exon 5 of the SDHA gene, results from an A to G substitution at nucleotide position 502. The isoleucine at codon 168 is replaced by valine, an amino acid with highly similar properties. This amino acid position is conserved. In addition, the in silico prediction for this alteration is inconclusive. Since supporting evidence is limited at this time, the clinical significance of this alteration remains unclear.

Labcorp Genetics (formerly Invitae), Labcorp
Classification: Uncertain significance for Pheochromocytoma/paraganglioma syndrome 5; Mitochondrial complex II deficiency, nuclear type 1. Last evaluated: 2020-10-09. Review status: criteria provided, single submitter. Criteria: Invitae Variant Classification Sherloc (09022015). Collection method: clinical testing. Allele origin: germline.
Comment: In summary, the available evidence is currently insufficient to determine the role of this variant in disease. Therefore, it has been classified as a Variant of Uncertain Significance. Algorithms developed to predict the effect of sequence changes on RNA splicing suggest that this variant may create or strengthen a splice site, but this prediction has not been confirmed by published transcriptional studies. Advanced modeling of protein sequence and biophysical properties (such as structural, functional, and spatial information, amino acid conservation, physicochemical variation, residue mobility, and thermodynamic stability) performed at Invitae indicates that this missense variant is not expected to disrupt SDHA protein function. This variant has not been reported in the literature in individuals with SDHA-related conditions. This variant is not present in population databases (ExAC no frequency). This sequence change replaces isoleucine with valine at codon 168 of the SDHA protein (p.Ile168Val). The isoleucine residue is highly conserved and there is a small physicochemical difference between isoleucine and valine.

NM_004168.4(SDHA):c.502A>G (p.Ile168Val)

Gene: SDHA (succinate dehydrogenase complex flavoprotein subunit A; plus strand). Cytogenetic location: 5p15.33.
Variant type: single nucleotide variant.
Coding change: c.502A>G on transcript NM_004168.4 (MANE Select); coding-DNA position 502, A replaced by G.
Protein change: p.Ile168Val; replaces isoleucine 168 with valine.
Molecular consequence: missense variant.
Genome position (GRCh38, 1-based): chr5:225,928, A>G. VCF-style: chr5-225928-A-G. GRCh37 (hg19) VCF-style: chr5-226043-A-G.
Other names: c.358A>G, p.Ile120Val (NM_001294332.2); c.502A>G, p.Ile168Val (NM_001330758.2); short protein forms I120V, I168V.
Identifiers: ClinVar variation 1025132 (VCV001025132.11), dbSNP rs1734989945, ClinGen allele CA359010052.
Genomic context (GRCh38, chr5:225,928, plus strand): 5'-TTTTATCTTTCACAGCTAGAAAATTATGGCATGCCGTTTAGCAGAACTGAAGATGGGAAG[A>G]TTTATCAGCGTGCATTTGGTGGACAGAGCCTCAAGTTTGGAAAGGGCGGGCAGGCCCATC-3'
Protein context (NP_004159.2, residues 158-178): MPFSRTEDGK[Ile168Val]YQRAFGGQSL